The following is an entry in ClinVar:

ClinVar aggregate classification (germline): Uncertain significance (1 of 4 stars; one submission).

Submission:

Labcorp Genetics (formerly Invitae), Labcorp
Classification: Uncertain significance. Last evaluated: 2023-08-10. Review status: criteria provided, single submitter. Criteria: Invitae Variant Classification Sherloc (09022015). Collection method: clinical testing. Allele origin: germline.
Comment: This sequence change replaces methionine, which is neutral and non-polar, with isoleucine, which is neutral and non-polar, at codon 431 of the CERKL protein (p.Met431Ile). This variant is not present in population databases (gnomAD no frequency). This variant has not been reported in the literature in individuals affected with CERKL-related conditions. ClinVar contains an entry for this variant (Variation ID: 2043874). Advanced modeling of protein sequence and biophysical properties (such as structural, functional, and spatial information, amino acid conservation, physicochemical variation, residue mobility, and thermodynamic stability) performed at Invitae indicates that this missense variant is not expected to disrupt CERKL protein function. In summary, the available evidence is currently insufficient to determine the role of this variant in disease. Therefore, it has been classified as a Variant of Uncertain Significance.

NM_201548.5(CERKL):c.1215G>A (p.Met405Ile)

Gene: CERKL (CERK like autophagy regulator; minus strand). Cytogenetic location: 2q31.3.
Variant type: single nucleotide variant.
Coding change: c.1215G>A on transcript NM_201548.5 (MANE Select); coding-DNA position 1215, G replaced by A.
Protein change: p.Met405Ile; replaces methionine 405 with isoleucine.
Molecular consequence: missense variant. On other transcripts: non-coding transcript variant (2).
Genome position (GRCh38, 1-based): chr2:181,547,671, C>T on the plus strand (G>A on the coding strand, the complement: CERKL is on the minus strand). VCF-style: chr2-181547671-C-T. GRCh37 (hg19) VCF-style: chr2-182412398-C-T.
Other names: c.1293G>A, p.Met431Ile (NM_001030311.3); c.876G>A, p.Met292Ile (NM_001030312.3); c.1008G>A, p.Met336Ile (NM_001030313.3); c.*497G>A (NM_001030314.1, NM_001030315.1); c.1161G>A, p.Met387Ile (NM_001160277.2); short protein forms M431I, M292I, M405I, M336I, M387I.
Identifiers: ClinVar variation 2043874 (VCV002043874.4), dbSNP rs1687787856, ClinGen allele CA349735414.